The following is an entry in ClinVar:

NM_006346.4(PIBF1):c.1752G>C (p.Val584=)

Gene: PIBF1 (progesterone immunomodulatory binding factor 1; plus strand). Cytogenetic location: 13q22.1.
Variant type: single nucleotide variant.
Coding change: c.1752G>C on transcript NM_006346.4 (MANE Select); coding-DNA position 1752, G replaced by C.
Protein change: p.Val584=; no amino-acid change (valine 584 retained).
Molecular consequence: synonymous variant. On other transcripts: non-coding transcript variant (2).
Genome position (GRCh38, 1-based): chr13:72,931,186, G>C. VCF-style: chr13-72931186-G-C. GRCh37 (hg19) VCF-style: chr13-73505324-G-C.
Other names: c.1839G>C, p.Val613= (NM_001349655.2).
Identifiers: ClinVar variation 2643845 (VCV002643845.24), dbSNP rs2501728382, ClinGen allele CA484096777.

ClinVar aggregate classification (germline): Likely benign (1 of 4 stars; one submission).

Submission:

CeGaT Center for Human Genetics Tuebingen
Classification: Likely benign. Last evaluated: 2022-10-01. Review status: criteria provided, single submitter. Criteria: CeGaT Center For Human Genetics Tuebingen Variant Classification Criteria Version 2. Collection method: clinical testing. Allele origin: germline. Affected: yes. Observed: 1 variant allele.
Comment: PIBF1: PM2:Supporting, BP4, BP7